The following is an entry in ClinVar:

NM_024642.5(GALNT12):c.260A>G (p.Gln87Arg)

Gene: GALNT12 (polypeptide N-acetylgalactosaminyltransferase 12; plus strand). Cytogenetic location: 9q22.33.
Variant type: single nucleotide variant.
Coding change: c.260A>G on transcript NM_024642.5 (MANE Select); coding-DNA position 260, A replaced by G.
Protein change: p.Gln87Arg; replaces glutamine 87 with arginine.
Molecular consequence: missense variant.
Genome position (GRCh38, 1-based): chr9:98,807,958, A>G. VCF-style: chr9-98807958-A-G. GRCh37 (hg19) VCF-style: chr9-101570240-A-G.
Other names: short protein forms Q87R.
Identifiers: ClinVar variation 1793767 (VCV001793767.3), dbSNP rs2490455933, ClinGen allele CA374222656.

ClinVar aggregate classification (germline): Uncertain significance (1 of 4 stars; one submission).

Submission:

Ambry Genetics
Classification: Uncertain significance. Last evaluated: 2025-04-17. Review status: criteria provided, single submitter. Criteria: Ambry Variant Classification Scheme 2023. Collection method: clinical testing. Allele origin: germline.
Comment: The p.Q87R variant (also known as c.260A>G), located in coding exon 1 of the GALNT12 gene, results from an A to G substitution at nucleotide position 260. The glutamine at codon 87 is replaced by arginine, an amino acid with highly similar properties. This amino acid position is conserved. In addition, this alteration is predicted to be tolerated by in silico analysis. Since supporting evidence is limited at this time, the clinical significance of this alteration remains unclear.